The following is an entry in ClinVar:

ClinVar aggregate classification (germline): Uncertain significance (1 of 4 stars; one submission).

Allele frequency attached by ClinVar (database versions not stated): gnomAD exomes below 0.00001; gnomAD 0.00001; TOPMed 0.00001.
gnomAD v4.1: 2 of 1,611,626 alleles (0.00012%); highest among the groups gnomAD compares: African/African-American, 0.0013%; no homozygotes.

Submission:

Labcorp Genetics (formerly Invitae), Labcorp
Classification: Uncertain significance. Last evaluated: 2022-05-21. Review status: criteria provided, single submitter. Criteria: Invitae Variant Classification Sherloc (09022015). Collection method: clinical testing. Allele origin: germline.
Comment: The frequency data for this variant in the population databases is considered unreliable, as metrics indicate poor data quality at this position in the gnomAD database. This sequence change replaces proline, which is neutral and non-polar, with serine, which is neutral and polar, at codon 1267 of the MCM3AP protein (p.Pro1267Ser). This variant has not been reported in the literature in individuals affected with MCM3AP-related conditions. In summary, the available evidence is currently insufficient to determine the role of this variant in disease. Therefore, it has been classified as a Variant of Uncertain Significance. Algorithms developed to predict the effect of missense changes on protein structure and function (SIFT, PolyPhen-2, Align-GVGD) all suggest that this variant is likely to be disruptive.

NM_003906.5(MCM3AP):c.3799C>T (p.Pro1267Ser)

Gene: MCM3AP (minichromosome maintenance complex component 3 associated protein; minus strand). Cytogenetic location: 21q22.3.
Variant type: single nucleotide variant.
Coding change: c.3799C>T on transcript NM_003906.5 (MANE Select); coding-DNA position 3799, C replaced by T.
Protein change: p.Pro1267Ser; replaces proline 1267 with serine.
Molecular consequence: missense variant.
Genome position (GRCh38, 1-based): chr21:46,256,922, G>A on the plus strand (C>T on the coding strand, the complement: MCM3AP is on the minus strand). VCF-style: chr21-46256922-G-A. GRCh37 (hg19) VCF-style: chr21-47676836-G-A.
Other names: short protein forms P1267S.
Identifiers: ClinVar variation 1917412 (VCV001917412.5), dbSNP rs1199243662, ClinGen allele CA410551251.